The following is an entry in ClinVar:

ClinVar aggregate classification (germline): Benign. Review status: reviewed by expert panel (3 of 4 stars). 2 submissions from 2 submitters: Benign (1). 1 of the submissions does not count toward it. Last evaluated 2015-01-12.

Conditions:
Breast-ovarian cancer, familial, susceptibility to, 2 (BROVCA2). Also called: BRCA2 Hereditary Breast and Ovarian Cancer. Identifiers: Orphanet 145, MedGen C2675520, MONDO:0012933, OMIM 612555. Disease mechanism: loss of function.

Allele frequency attached by ClinVar (database versions not stated): gnomAD 0.03651 and 0.04049; TOPMed 0.04222; 1000 Genomes Project 0.07368; 1000 Genomes Project 30x 0.07370.
gnomAD v4.1: 6,082 of 150,148 alleles (4.1%); highest among the groups gnomAD compares: South Asian, 11%; 211 homozygotes.

Submissions (2):

Evidence-based Network for the Interpretation of Germline Mutant Alleles (ENIGMA)
Classification: Benign for Breast-ovarian cancer, familial 2. Last evaluated: 2015-01-12. Review status: reviewed by expert panel. Criteria: ENIGMA BRCA1/2 Classification Criteria (2015). Collection method: curation. Allele origin: germline.
Comment: Class 1 not pathogenic based on frequency >1% in an outbred sampleset. Frequency 0.1049 (Asian), 0.01423 (African), 0.03694 (European), derived from 1000 genomes (2012-04-30).

Breakthrough Genomics
Classification: Benign. Review status: criteria provided, single submitter. Criteria: ACMG Guidelines, 2015. Collection method: not provided. Allele origin: germline. Inheritance: Autosomal recessive inheritance. Affected: yes. Not counted in ClinVar's aggregate classification.

NM_000059.4(BRCA2):c.7007+2955A>G

Gene: BRCA2 (BRCA2 DNA repair associated; plus strand). Cytogenetic location: 13q13.1.
Variant type: single nucleotide variant.
Coding change: c.7007+2955A>G on transcript NM_000059.4 (MANE Select); 2955 bases into the intron after coding-DNA position 7007, A replaced by G.
Molecular consequence: intron variant.
Genome position (GRCh38, 1-based): chr13:32,349,851, A>G. VCF-style: chr13-32349851-A-G. GRCh37 (hg19) VCF-style: chr13-32923988-A-G.
Other names: IVS 13+2955A>G.
Identifiers: ClinVar variation 209735 (VCV000209735.2), dbSNP rs11571695, ClinGen allele CA276703.
Genomic context (GRCh38, chr13:32,349,851, plus strand): 5'-GACGACAGAGCAAGACCCCACATCAAAAAAAAAAAAAAAAAAGCAGCAGCAGCAATACTC[A>G]TGAAGCTGGGCAACTGTCTCCTGCCCGCTCTATGAAAAGAACCAGAGGCTTATTCTCCAG-3'